The following is an entry in ClinVar:

NM_000059.4(BRCA2):c.1072G>T (p.Val358Leu)

Gene: BRCA2 (BRCA2 DNA repair associated; plus strand). Cytogenetic location: 13q13.1.
Variant type: single nucleotide variant.
Coding change: c.1072G>T on transcript NM_000059.4 (MANE Select); coding-DNA position 1072, G replaced by T.
Protein change: p.Val358Leu; replaces valine 358 with leucine.
Molecular consequence: missense variant.
Genome position (GRCh38, 1-based): chr13:32,332,550, G>T. VCF-style: chr13-32332550-G-T. GRCh37 (hg19) VCF-style: chr13-32906687-G-T.
Other names: short protein forms V358L.
Identifiers: ClinVar variation 1476478 (VCV001476478.9), dbSNP rs1555281727, ClinGen allele CA387761399.

ClinVar aggregate classification (germline): Conflicting classifications of pathogenicity. Review status: criteria provided, conflicting classifications (1 of 4 stars). 2 submissions from 2 submitters: Uncertain significance (1); Likely benign (1). Last evaluated 2024-04-04.

Conditions:
Hereditary cancer-predisposing syndrome. Also called: Neoplastic Syndromes, Hereditary; Hereditary Cancer Syndrome; Tumor predisposition; Hereditary neoplastic syndrome. Identifiers: Orphanet 140162, MedGen C0027672, MeSH D009386, MONDO:0015356.
Hereditary breast ovarian cancer syndrome. Also called: Breast and ovarian cancer; Hereditary breast and ovarian cancer; Hereditary breast and ovarian cancer syndrome; Hereditary breast and ovarian cancer syndrome (HBOC); BRCA1- and BRCA2-Associated Hereditary Breast and Ovarian Cancer; Hereditary breast and/or ovarian cancer syndrome. Identifiers: Orphanet 145, MedGen C0677776, MeSH D061325, MONDO:0003582. Disease mechanism: loss of function.

Submissions (2):

Labcorp Genetics (formerly Invitae), Labcorp
Classification: Uncertain significance for Hereditary breast ovarian cancer syndrome. Last evaluated: 2024-04-04. Review status: criteria provided, single submitter. Criteria: Invitae Variant Classification Sherloc (09022015). Collection method: clinical testing. Allele origin: germline.
Comment: This sequence change replaces valine, which is neutral and non-polar, with leucine, which is neutral and non-polar, at codon 358 of the BRCA2 protein (p.Val358Leu). This variant is not present in population databases (gnomAD no frequency). This variant has not been reported in the literature in individuals affected with BRCA2-related conditions. ClinVar contains an entry for this variant (Variation ID: 1476478). Advanced modeling of protein sequence and biophysical properties (such as structural, functional, and spatial information, amino acid conservation, physicochemical variation, residue mobility, and thermodynamic stability) performed at Invitae indicates that this missense variant is not expected to disrupt BRCA2 protein function with a negative predictive value of 95%. In summary, the available evidence is currently insufficient to determine the role of this variant in disease. Therefore, it has been classified as a Variant of Uncertain Significance.

University of Washington Department of Laboratory Medicine, University of Washington
Classification: Likely benign for Hereditary cancer-predisposing syndrome. Last evaluated: 2023-03-23. Review status: criteria provided, single submitter. Criteria: Dines et al. (Genet Med. 2020). Collection method: curation. Allele origin: germline.
Comment: Missense variant in a coldspot region where missense variants are very unlikely to be pathogenic (PMID:31911673).

BRCA2 exon 10 coldspot. Reclassification based on statistical prior probability.